The following is an entry in ClinVar:

NM_152296.5(ATP1A3):c.2419G>A (p.Val807Ile)

Gene: ATP1A3 (ATPase Na+/K+ transporting subunit alpha 3; minus strand). Cytogenetic location: 19q13.2.
Variant type: single nucleotide variant.
Coding change: c.2419G>A on transcript NM_152296.5 (MANE Select); coding-DNA position 2419, G replaced by A.
Protein change: p.Val807Ile; replaces valine 807 with isoleucine.
Molecular consequence: missense variant.
Genome position (GRCh38, 1-based): chr19:41,970,308, C>T on the plus strand (G>A on the coding strand, the complement: ATP1A3 is on the minus strand). VCF-style: chr19-41970308-C-T. GRCh37 (hg19) VCF-style: chr19-42474460-C-T.
Other names: c.2452G>A, p.Val818Ile (NM_001256213.2); c.2458G>A, p.Val820Ile (NM_001256214.2); short protein forms V807I, V820I, V818I.
Identifiers: ClinVar variation 1942186 (VCV001942186.5), dbSNP rs782503624, ClinGen allele CA9467384.

ClinVar aggregate classification (germline): Uncertain significance (1 of 4 stars; one submission).

Conditions:
Dystonia 12 (DYT12). Also called: DYT-ATP1A3; Rapid-Onset Dystonia-Parkinsonism (RDP). Identifiers: Orphanet 71517, MedGen C1868681, MONDO:0007496, OMIM 128235.

Allele frequency attached by ClinVar (database versions not stated): TOPMed below 0.00001; ExAC 0.00001.

Submission:

Labcorp Genetics (formerly Invitae), Labcorp
Classification: Uncertain significance for Dystonia 12. Last evaluated: 2025-04-17. Review status: criteria provided, single submitter. Criteria: Invitae Variant Classification Sherloc (09022015). Collection method: clinical testing. Allele origin: germline.
Comment: This sequence change replaces valine, which is neutral and non-polar, with isoleucine, which is neutral and non-polar, at codon 807 of the ATP1A3 protein (p.Val807Ile). This variant is present in population databases (rs782503624, gnomAD 0.0009%). This variant has not been reported in the literature in individuals affected with ATP1A3-related conditions. ClinVar contains an entry for this variant (Variation ID: 1942186). An algorithm developed to predict the effect of missense changes on protein structure and function (PolyPhen-2) suggests that this variant is likely to be tolerated. In summary, the available evidence is currently insufficient to determine the role of this variant in disease. Therefore, it has been classified as a Variant of Uncertain Significance.